The following is an entry in ClinVar:

NM_004064.5(CDKN1B):c.339_342del (p.Pro114fs)

Gene: CDKN1B (cyclin dependent kinase inhibitor 1B; plus strand). Cytogenetic location: 12p13.1.
Variant type: Deletion.
Coding change: c.339_342del on transcript NM_004064.5 (MANE Select); coding-DNA positions 339 to 342, 4 bases deleted (CCCG; older notation c.339_342delCCCG).
Protein change: p.Pro114fs; shifts the reading frame from proline 114.
Molecular consequence: frameshift variant.
Genome position (GRCh38, 1-based): chr12:12,718,178-12,718,181, CCCG deleted; deleting any 4 consecutive bases within chr12:12,718,175-12,718,181 gives the same sequence; the c. name uses the placement nearest the transcript's 3' end. VCF-style (leftmost placement, unchanged base first): chr12-12718174-GCCGC-G. GRCh37 (hg19) VCF-style: chr12-12871108-GCCGC-G.
Other names: c.339_342delCCCG (NM_004064.5); short protein forms P114fs.
Identifiers: ClinVar variation 4539319 (VCV004539319.1).

ClinVar aggregate classification (germline): Likely pathogenic (1 of 4 stars; one submission).

Submission:

Center for Genomic Medicine, Rigshospitalet, Copenhagen University Hospital
Classification: Likely pathogenic. Last evaluated: 2025-12-29. Review status: criteria provided, single submitter. Criteria: ACMG Guidelines, 2015. Collection method: clinical testing. Allele origin: germline.
Comment: Classification criteria: PVS1, PM2_Supporting

Literature cited by the submitters: PubMed 37733893; PubMed 24819502.